The following is an entry in ClinVar:

ClinVar aggregate classification (germline): Uncertain significance (1 of 4 stars; one submission).

Allele frequency attached by ClinVar (database versions not stated): TOPMed below 0.00001; gnomAD 0.00001.
gnomAD v4.1: 2 of 1,613,902 alleles (0.00012%); highest among the groups gnomAD compares: African/African-American, 0.0027%; no homozygotes.

Submission:

Labcorp Genetics (formerly Invitae), Labcorp
Classification: Uncertain significance. Last evaluated: 2023-09-10. Review status: criteria provided, single submitter. Criteria: Invitae Variant Classification Sherloc (09022015). Collection method: clinical testing. Allele origin: germline.
Comment: Advanced modeling of protein sequence and biophysical properties (such as structural, functional, and spatial information, amino acid conservation, physicochemical variation, residue mobility, and thermodynamic stability) has been performed at Invitae for this missense variant, however the output from this modeling did not meet the statistical confidence thresholds required to predict the impact of this variant on RHOBTB2 protein function. In summary, the available evidence is currently insufficient to determine the role of this variant in disease. Therefore, it has been classified as a Variant of Uncertain Significance. This variant has not been reported in the literature in individuals affected with RHOBTB2-related conditions. The frequency data for this variant in the population databases is considered unreliable, as metrics indicate poor data quality at this position in the gnomAD database. This sequence change replaces tyrosine, which is neutral and polar, with aspartic acid, which is acidic and polar, at codon 661 of the RHOBTB2 protein (p.Tyr661Asp).

NM_015178.3(RHOBTB2):c.1915T>G (p.Tyr639Asp)

Gene: RHOBTB2 (Rho related BTB domain containing 2; plus strand). Cytogenetic location: 8p21.3.
Variant type: single nucleotide variant.
Coding change: c.1915T>G on transcript NM_015178.3 (MANE Select); coding-DNA position 1915, T replaced by G.
Protein change: p.Tyr639Asp; replaces tyrosine 639 with aspartic acid.
Molecular consequence: missense variant.
Genome position (GRCh38, 1-based): chr8:23,015,692, T>G. VCF-style: chr8-23015692-T-G. GRCh37 (hg19) VCF-style: chr8-22873205-T-G.
Other names: c.1981T>G, p.Tyr661Asp (NM_001160036.2); c.1936T>G, p.Tyr646Asp (NM_001160037.2); c.1915T>G, p.Tyr639Asp (NM_001374791.1); short protein forms Y639D, Y646D, Y661D.
Identifiers: ClinVar variation 2759460 (VCV002759460.3), dbSNP rs1296300776, ClinGen allele CA370575829.
Genomic context (GRCh38, chr8:23,015,692, plus strand): 5'-CCCCAGTTCCACTGTGCGTACCAGCTGGCCGACTGGTGTCTCCACCACATCTGCACCAAC[T>G]ACAACAACGTGTGCCGCAAGTTCCCCCGAGACATGAAGGCCATGTCCCCAGGTGAGCATC-3'
Protein context (NP_055993.2, residues 629-649): DWCLHHICTN[Tyr639Asp]NNVCRKFPRD